The following is an entry in ClinVar:

NM_001040108.2(MLH3):c.4010A>C (p.Glu1337Ala)

Gene: MLH3 (mutL homolog 3; minus strand). Cytogenetic location: 14q24.3.
Variant type: single nucleotide variant.
Coding change: c.4010A>C on transcript NM_001040108.2 (MANE Select); coding-DNA position 4010, A replaced by C.
Protein change: p.Glu1337Ala; replaces glutamic acid 1337 with alanine.
Molecular consequence: missense variant.
Genome position (GRCh38, 1-based): chr14:75,022,996, T>G on the plus strand (A>C on the coding strand, the complement: MLH3 is on the minus strand). VCF-style: chr14-75022996-T-G. GRCh37 (hg19) VCF-style: chr14-75489699-T-G.
Other names: c.3938A>C, p.Glu1313Ala (NM_014381.3); short protein forms E1313A, E1337A.
Identifiers: ClinVar variation 4860154 (VCV004860154.1).

ClinVar aggregate classification (germline): Uncertain significance (1 of 4 stars; one submission).

Submission:

Ambry Genetics
Classification: Uncertain significance. Last evaluated: 2026-05-16. Review status: criteria provided, single submitter. Criteria: Ambry Variant Classification Scheme 2023. Collection method: clinical testing. Allele origin: germline.
Comment: The p.E1337A variant (also known as c.4010A>C), located in coding exon 9 of the MLH3 gene, results from an A to C substitution at nucleotide position 4010. The glutamic acid at codon 1337 is replaced by alanine, an amino acid with dissimilar properties. This amino acid position is conserved. In addition, the in silico prediction for this alteration is inconclusive. Based on the available evidence, the clinical significance of this variant remains unclear.